The following is an entry in ClinVar:

NM_138295.5(PKD1L1):c.1079T>G (p.Leu360Ter)

Gene: PKD1L1 (polycystin 1 like 1, transient receptor potential channel interacting; minus strand). Cytogenetic location: 7p12.3.
Variant type: single nucleotide variant.
Coding change: c.1079T>G on transcript NM_138295.5 (MANE Select); coding-DNA position 1079, T replaced by G.
Protein change: p.Leu360Ter; replaces leucine 360 with a stop codon.
Molecular consequence: nonsense.
Genome position (GRCh38, 1-based): chr7:47,915,581, A>C on the plus strand (T>G on the coding strand, the complement: PKD1L1 is on the minus strand). VCF-style: chr7-47915581-A-C. GRCh37 (hg19) VCF-style: chr7-47955178-A-C.
Other names: short protein forms L360*.
Identifiers: ClinVar variation 2071911 (VCV002071911.4), dbSNP rs765571333, ClinGen allele CA4254154.

ClinVar aggregate classification (germline): Pathogenic (1 of 4 stars; one submission).

Allele frequency attached by ClinVar (database versions not stated): gnomAD exomes 0.00001; TOPMed 0.00001; ExAC 0.00003.
gnomAD v4.1: 12 of 1,536,910 alleles (0.00078%); highest among the groups gnomAD compares: Admixed American, 0.0019%; no homozygotes.

Submission:

Labcorp Genetics (formerly Invitae), Labcorp
Classification: Pathogenic. Last evaluated: 2025-09-02. Review status: criteria provided, single submitter. Criteria: Invitae Variant Classification Sherloc (09022015). Collection method: clinical testing. Allele origin: germline.
Comment: This sequence change creates a premature translational stop signal (p.Leu360*) in the PKD1L1 gene. It is expected to result in an absent or disrupted protein product. Loss-of-function variants in PKD1L1 are known to be pathogenic (PMID: 27616478). The frequency data for this variant in the population databases is considered unreliable, as metrics indicate poor data quality at this position in the gnomAD database. This variant has not been reported in the literature in individuals affected with PKD1L1-related conditions. ClinVar contains an entry for this variant (Variation ID: 2071911). For these reasons, this variant has been classified as Pathogenic.

Literature cited by the submitters: PubMed 27616478.